The following is an entry in ClinVar:

NM_000377.3(WAS):c.92A>T (p.Glu31Val)

Gene: WAS (WASP actin nucleation promoting factor; plus strand). Cytogenetic location: Xp11.23.
Variant type: single nucleotide variant.
Coding change: c.92A>T on transcript NM_000377.3 (MANE Select); coding-DNA position 92, A replaced by T.
Protein change: p.Glu31Val; replaces glutamic acid 31 with valine.
Molecular consequence: missense variant.
Genome position (GRCh38, 1-based): chrX:48,683,945, A>T. VCF-style: chrX-48683945-A-T. GRCh37 (hg19) VCF-style: chrX-48542334-A-T.
Other names: c.92A>T, p.Glu31Val (NM_001438876.1, NM_001438877.1, NM_001438878.1 and 1 more transcripts); short protein forms E31V.
Identifiers: ClinVar variation 4813279 (VCV004813279.1).

ClinVar aggregate classification (germline): Likely pathogenic (1 of 4 stars; one submission).

Conditions:
Wiskott-Aldrich syndrome (WAS). Also called: ALDRICH SYNDROME; IMMUNODEFICIENCY 2; WISKOTT-ALDRICH SYNDROME 1; Wiskott-aldrich syndrome, somatic. Identifiers: Orphanet 906, MedGen C0043194, MONDO:0010518, OMIM 301000.

Submission:

Genetics Laboratory, Great Ormond Street Hospital NHS Foundation Trust, North Thames Genomic Laboratory Hub
Classification: Likely pathogenic for Wiskott-Aldrich syndrome. Last evaluated: 2026-01-10. Review status: criteria provided, single submitter. Criteria: ACGS Best Practice Guidelines for Variant Classification in Rare Disease 2024 v1.2. Collection method: clinical testing. Allele origin: germline. Affected: yes.
Comment: PM2_moderate, PP3_supporting, PM5_moderate, PP4_supporting